The following is an entry in ClinVar:

NM_001039958.2(MESP2):c.862C>T (p.Arg288Trp)

Gene: MESP2 (mesoderm posterior bHLH transcription factor 2; plus strand). Cytogenetic location: 15q26.1.
Variant type: single nucleotide variant.
Coding change: c.862C>T on transcript NM_001039958.2 (MANE Select); coding-DNA position 862, C replaced by T.
Protein change: p.Arg288Trp; replaces arginine 288 with tryptophan.
Molecular consequence: missense variant.
Genome position (GRCh38, 1-based): chr15:89,777,219, C>T. VCF-style: chr15-89777219-C-T. GRCh37 (hg19) VCF-style: chr15-90320450-C-T.
Other names: c.862C>T (NM_001039958.1); short protein forms R288W.
Identifiers: ClinVar variation 2199777 (VCV002199777.3), dbSNP rs369474584, ClinGen allele CA7730525.

ClinVar aggregate classification (germline): Uncertain significance. Review status: criteria provided, multiple submitters, no conflicts (2 of 4 stars). 2 submissions from 2 submitters: Uncertain significance (2). Last evaluated 2023-03-27.

Conditions:
Inborn genetic diseases. Identifiers: MedGen C0950123, MeSH D030342.

Allele frequency attached by ClinVar (database versions not stated): ExAC 0.00005; gnomAD exomes 0.00011; TOPMed 0.00011; gnomAD 0.00013; ESP Exome Variant Server 0.00017.

Submissions (2):

Ambry Genetics
Classification: Uncertain significance for Inborn genetic diseases. Last evaluated: 2023-03-27. Review status: criteria provided, single submitter. Criteria: Ambry Variant Classification Scheme 2023. Collection method: clinical testing. Allele origin: germline.

Labcorp Genetics (formerly Invitae), Labcorp
Classification: Uncertain significance. Last evaluated: 2022-08-16. Review status: criteria provided, single submitter. Criteria: Invitae Variant Classification Sherloc (09022015). Collection method: clinical testing. Allele origin: germline.
Comment: This sequence change replaces arginine, which is basic and polar, with tryptophan, which is neutral and slightly polar, at codon 288 of the MESP2 protein (p.Arg288Trp). This variant is present in population databases (rs369474584, gnomAD 0.03%). This variant has not been reported in the literature in individuals affected with MESP2-related conditions. Algorithms developed to predict the effect of missense changes on protein structure and function are either unavailable or do not agree on the potential impact of this missense change (SIFT: "Deleterious"; PolyPhen-2: "Possibly Damaging"; Align-GVGD: "Class C0"). In summary, the available evidence is currently insufficient to determine the role of this variant in disease. Therefore, it has been classified as a Variant of Uncertain Significance.